The following is an entry in ClinVar:

ClinVar aggregate classification (germline): Uncertain significance. Review status: criteria provided, multiple submitters, no conflicts (2 of 4 stars). 4 submissions from 4 submitters: Uncertain significance (4). Last evaluated 2026-01-16.

Conditions:
Frontotemporal dementia and/or amyotrophic lateral sclerosis 1 (FTDALS1). Also called: Frontotemporal dementia with motor neuron disease 1; C9orf72 Frontotemporal Dementia and/or Amyotrophic Lateral Sclerosis. Identifiers: Orphanet 275872, MedGen C5779877, MONDO:0007105, OMIM 105550.
Paget disease of bone 2, early-onset (PDB2). Also called: Paget disease of bone 2. Identifiers: MedGen C4085251, MONDO:0011183, OMIM 602080.

Allele frequency attached by ClinVar (database versions not stated): gnomAD 0.00005; TOPMed 0.00005; gnomAD exomes 0.00008 and 0.00010; ExAC 0.00011; ESP Exome Variant Server 0.00038.

Submissions (4):

Labcorp Genetics (formerly Invitae), Labcorp
Classification: Uncertain significance for Paget disease of bone 2, early-onset; Frontotemporal dementia and/or amyotrophic lateral sclerosis 1. Last evaluated: 2026-01-16. Review status: criteria provided, single submitter. Criteria: Invitae Variant Classification Sherloc (09022015). Collection method: clinical testing. Allele origin: germline.
Comment: This sequence change replaces proline, which is neutral and non-polar, with leucine, which is neutral and non-polar, at codon 228 of the SQSTM1 protein (p.Pro228Leu). This variant is present in population databases (rs151191977, gnomAD 0.01%). This missense change has been observed in individual(s) with sporadic amyotrophic lateral sclerosis and with frontotemporal lobar degeneration (PMID: 22084127, 24486447, 24899140). ClinVar contains an entry for this variant (Variation ID: 475402). Invitae Evidence Modeling of protein sequence and biophysical properties (such as structural, functional, and spatial information, amino acid conservation, physicochemical variation, residue mobility, and thermodynamic stability) indicates that this missense variant is not expected to disrupt SQSTM1 protein function with a negative predictive value of 80%. In summary, the available evidence is currently insufficient to determine the role of this variant in disease. Therefore, it has been classified as a Variant of Uncertain Significance.

Mayo Clinic Laboratories, Mayo Clinic
Classification: Uncertain significance. Last evaluated: 2024-07-29. Review status: criteria provided, single submitter. Criteria: ACMG Guidelines, 2015. Collection method: clinical testing. Allele origin: germline. Observed: 1 variant allele.
Comment: BP4_moderate

GeneDx
Classification: Uncertain significance. Last evaluated: 2019-12-06. Review status: criteria provided, single submitter. Criteria: GeneDx Variant Classification Process June 2021. Collection method: clinical testing. Allele origin: germline. Affected: yes.
Comment: In silico analysis, which includes protein predictors and evolutionary conservation, supports a deleterious effect; Reported in a patient with sporadic amyotrophic lateral sclerosis in published literature (Fecto et al., 2011); Reported in a patient with frontotemporal lobar degeneration in published literature (van der Zee et al., 2014); This variant is associated with the following publications: (PMID: 22084127, 24899140, 24486447)

ARUP Laboratories, Molecular Genetics and Genomics, ARUP Laboratories
Classification: Uncertain significance. Review status: criteria provided, single submitter. Criteria: ARUP Molecular Germline Variant Investigation Process 2024. Collection method: clinical testing. Allele origin: germline.

Literature cited by the submitters: PubMed 22084127 (cited by Labcorp Genetics (formerly Invitae), Labcorp and Mayo Clinic Laboratories, Mayo Clinic); PubMed 24486447 (cited by Labcorp Genetics (formerly Invitae), Labcorp); PubMed 24899140 (cited by Labcorp Genetics (formerly Invitae), Labcorp and Mayo Clinic Laboratories, Mayo Clinic); PubMed 23942205 (cited by Mayo Clinic Laboratories, Mayo Clinic); PubMed 32594029 (cited by Mayo Clinic Laboratories, Mayo Clinic).

NM_003900.5(SQSTM1):c.683C>T (p.Pro228Leu)

Gene: SQSTM1 (sequestosome 1; plus strand). Cytogenetic location: 5q35.3.
Variant type: single nucleotide variant.
Coding change: c.683C>T on transcript NM_003900.5 (MANE Select); coding-DNA position 683, C replaced by T.
Protein change: p.Pro228Leu; replaces proline 228 with leucine.
Molecular consequence: missense variant.
Genome position (GRCh38, 1-based): chr5:179,825,155, C>T. VCF-style: chr5-179825155-C-T. GRCh37 (hg19) VCF-style: chr5-179252155-C-T.
Other names: p.Pro228Leu; c.431C>T, p.Pro144Leu (NM_001142298.2, NM_001142299.2); short protein forms P144L, P228L.
Identifiers: ClinVar variation 475402 (VCV000475402.11), dbSNP rs151191977, ClinGen allele CA3600616.